The following is an entry in ClinVar:

NM_000093.5(COL5A1):c.2089-288C>T

Gene: COL5A1 (collagen type V alpha 1 chain; plus strand). Cytogenetic location: 9q34.3.
Variant type: single nucleotide variant.
Coding change: c.2089-288C>T on transcript NM_000093.5 (MANE Select); 288 bases into the intron before coding-DNA position 2089, C replaced by T.
Molecular consequence: intron variant.
Genome position (GRCh38, 1-based): chr9:134,766,166, C>T. VCF-style: chr9-134766166-C-T. GRCh37 (hg19) VCF-style: chr9-137658012-C-T.
Other names: c.2089-288C>T (NM_001278074.1).
Identifiers: ClinVar variation 683395 (VCV000683395.1), dbSNP rs79878246, ClinGen allele CA13137927.
Genomic context (GRCh38, chr9:134,766,166, plus strand): 5'-CCCTTGATTCCAGTGGGGCTGTGTCCCGGTGGGCAGCTCCCCCAGGGCCAGGCCTGCCCC[C>T]TTCAGCCTTCCCAGCCCCGTGACCTGGTTTTCTAGAACCTGAGGCCTGCCCCGTGGAATG-3'

ClinVar aggregate classification (germline): Benign (1 of 4 stars; one submission).

Allele frequency attached by ClinVar (database versions not stated): TOPMed 0.06441; 1000 Genomes Project 30x 0.11649; gnomAD 0.05022 and 0.05674; 1000 Genomes Project 0.11881.
gnomAD v4.1: 8,611 of 152,274 alleles (5.7%); highest among the groups gnomAD compares: East Asian, 27%; 479 homozygotes.

Submission:

GeneDx
Classification: Benign. Last evaluated: 2018-06-14. Review status: criteria provided, single submitter. Criteria: GeneDx Variant Classification (06012015). Collection method: clinical testing. Allele origin: germline. Affected: yes.
Comment: This variant is considered likely benign or benign based on one or more of the following criteria: it is a conservative change, it occurs at a poorly conserved position in the protein, it is predicted to be benign by multiple in silico algorithms, and/or has population frequency not consistent with disease.